The following is an entry in ClinVar:

NM_000179.3(MSH6):c.333_334dup (p.Asn112fs)

Gene: MSH6 (mutS homolog 6; plus strand). Cytogenetic location: 2p16.3.
Variant type: Duplication.
Coding change: c.333_334dup on transcript NM_000179.3 (MANE Select); coding-DNA positions 333 to 334, 2 bases duplicated (CA; older notation c.333_334dupCA).
Protein change: p.Asn112fs; shifts the reading frame from asparagine 112.
Molecular consequence: frameshift variant. On other transcripts: 5 prime UTR variant (2), intron variant (1).
Genome position (GRCh38, 1-based): chr2:47,790,999-47,791,000, CA duplicated; duplicating any 2 consecutive bases within chr2:47,790,998-47,791,000 gives the same sequence; the c. name uses the placement nearest the transcript's 3' end. VCF-style (leftmost placement, unchanged base first): chr2-47790997-T-TAC. GRCh37 (hg19) VCF-style: chr2-48018136-T-TAC.
Other names: c.429_430dup, p.Asn144Thrfs (NM_001406795.1, NM_001406802.1); c.333_334dup, p.Asn112Thrfs (NM_001406796.1, NM_001406798.1, NM_001406800.1 and 6 more transcripts); c.36_37dup, p.Asn13Thrfs (NM_001406797.1, NM_001406805.1, NM_001406818.1 and 10 more transcripts); c.255_256dup, p.Asn86Thrfs (NM_001406804.1); c.-404_-403dup (NM_001406811.1, NM_001406823.1, NM_001406829.1 and 1 more transcripts); c.-596_-595dup (NM_001406807.1); c.-662_-661dup (NM_001406814.1); c.-570_-569dup (NM_001281494.2); and 3 more; short protein forms N112fs.
Identifiers: ClinVar variation 1730308 (VCV001730308.2), dbSNP rs2530434436, ClinGen allele CA2580066833.

ClinVar aggregate classification (germline): Pathogenic (1 of 4 stars; one submission).

Conditions:
Hereditary cancer-predisposing syndrome. Also called: Neoplastic Syndromes, Hereditary; Tumor predisposition; Hereditary Cancer Syndrome; Hereditary neoplastic syndrome. Identifiers: Orphanet 140162, MedGen C0027672, MeSH D009386, MONDO:0015356.

Submission:

Ambry Genetics
Classification: Pathogenic for Hereditary cancer-predisposing syndrome. Last evaluated: 2018-01-25. Review status: criteria provided, single submitter. Criteria: Ambry Variant Classification Scheme 2023. Collection method: clinical testing. Allele origin: germline.
Comment: The c.333_334dupCA pathogenic mutation, located in coding exon 2 of the MSH6 gene, results from a duplication of CA at nucleotide position 333, causing a translational frameshift with a predicted alternate stop codon (p.N112Tfs*38). This alteration is expected to result in loss of function by premature protein truncation or nonsense-mediated mRNA decay. As such, this alteration is interpreted as a disease-causing mutation.